The following is an entry in ClinVar:

ClinVar aggregate classification (germline): Uncertain significance (1 of 4 stars; one submission).

Submission:

Labcorp Genetics (formerly Invitae), Labcorp
Classification: Uncertain significance. Last evaluated: 2024-10-15. Review status: criteria provided, single submitter. Criteria: Invitae Variant Classification Sherloc (09022015). Collection method: clinical testing. Allele origin: germline.
Comment: This variant, c.383_385del, results in the deletion of 1 amino acid(s) of the ASAH1 protein (p.Gly128del), but otherwise preserves the integrity of the reading frame. This variant is present in population databases (no rsID available, gnomAD 0.001%). This variant has not been reported in the literature in individuals affected with ASAH1-related conditions. ClinVar contains an entry for this variant (Variation ID: 1970737). Experimental studies and prediction algorithms are not available or were not evaluated, and the functional significance of this variant is currently unknown. Algorithms developed to predict the effect of sequence changes on RNA splicing suggest that this variant may disrupt the consensus splice site. In summary, the available evidence is currently insufficient to determine the role of this variant in disease. Therefore, it has been classified as a Variant of Uncertain Significance.

NC_000008.11:g.18064531_18064533del

Gene: ASAH1 (N-acylsphingosine amidohydrolase 1; minus strand). Cytogenetic location: 8p22.
Variant type: Deletion.
Genome position: GRCh38 VCF-style: chr8-18064528-TCTC-T. GRCh37 (hg19) VCF-style: chr8-17922037-TCTC-T.
Identifiers: ClinVar variation 1970737 (VCV001970737.5), dbSNP rs1223284488, ClinGen allele CA580091719.